The following is an entry in ClinVar:

ClinVar aggregate classification (germline): Uncertain significance (1 of 4 stars; one submission).

Submission:

Labcorp Genetics (formerly Invitae), Labcorp
Classification: Uncertain significance. Last evaluated: 2025-09-20. Review status: criteria provided, single submitter. Criteria: Invitae Variant Classification Sherloc (09022015). Collection method: clinical testing. Allele origin: germline.
Comment: This sequence change replaces lysine, which is basic and polar, with asparagine, which is neutral and polar, at codon 717 of the ALPK3 protein (p.Lys717Asn). This variant is not present in population databases (gnomAD no frequency). This variant has not been reported in the literature in individuals affected with ALPK3-related conditions. Invitae Evidence Modeling of protein sequence and biophysical properties (such as structural, functional, and spatial information, amino acid conservation, physicochemical variation, residue mobility, and thermodynamic stability) indicates that this missense variant is not expected to disrupt ALPK3 protein function with a negative predictive value of 80%. In summary, the available evidence is currently insufficient to determine the role of this variant in disease. Therefore, it has been classified as a Variant of Uncertain Significance.

NM_020778.5(ALPK3):c.1545G>T (p.Lys515Asn)

Genes: ALPK3 (alpha kinase 3; plus strand), LOC111718493 (skeletal muscle cis-regulatory module overlapping ALPK3; plus strand). Cytogenetic location: 15q25.3.
Variant type: single nucleotide variant.
Coding change: c.1545G>T on transcript NM_020778.5 (MANE Select); coding-DNA position 1545, G replaced by T.
Protein change: p.Lys515Asn; replaces lysine 515 with asparagine.
Molecular consequence: missense variant.
Genome position (GRCh38, 1-based): chr15:84,840,824, G>T. VCF-style: chr15-84840824-G-T. GRCh37 (hg19) VCF-style: chr15-85384055-G-T.
Other names: short protein forms K515N.
Identifiers: ClinVar variation 4811691 (VCV004811691.1).